The following is an entry in ClinVar:

ClinVar aggregate classification (germline): Conflicting classifications of pathogenicity. Review status: criteria provided, conflicting classifications (1 of 4 stars). 3 submissions from 2 submitters: Uncertain significance (2); Benign (1). Last evaluated 2018-01-13.

Conditions:
Familial hyperinsulinism. Also called: Congenital hyperinsulinism. Identifiers: Orphanet 276525, MedGen C3888018, MONDO:0017182. Disease mechanism: loss of function.
Maturity-onset diabetes of the young (MODY). Also called: Maturity onset diabetes mellitus in young. Identifiers: Orphanet 552, MedGen C0342276, MONDO:0018911, HP:0004904.
Maturity-onset diabetes of the young type 1. Also called: MILD JUVENILE DIABETES MELLITUS; MODY, type I; MODY type 1; Diabetes mellitus MODY type 1; MODY HNF4A related; HNF4A-Related Maturity-Onset Diabetes of the Young Type 1. Identifiers: Orphanet 552, MedGen C1852093, MONDO:0007452, OMIM 125850. Disease mechanism: loss of function.

Allele frequency attached by ClinVar (database versions not stated): gnomAD 0.00038 and 0.00039; TOPMed 0.00043.

Submissions (3):

Illumina Laboratory Services, Illumina
Classification: Uncertain significance for Familial hyperinsulinism. Last evaluated: 2018-01-13. Review status: criteria provided, single submitter. Criteria: ICSL Variant Classification Criteria 13 December 2019. Collection method: clinical testing. Allele origin: germline.

Illumina Laboratory Services, Illumina
Classification: Uncertain significance for Maturity-onset diabetes of the young type 1. Last evaluated: 2018-01-13. Review status: criteria provided, single submitter. Criteria: ICSL Variant Classification Criteria 13 December 2019. Collection method: clinical testing. Allele origin: germline.

Clinical Genomics, Uppaluri K&H Personalized Medicine Clinic
Classification: Benign for Maturity-onset diabetes of the young. Review status: criteria provided, single submitter. Criteria: K & H Uppaluri Personalized Medicine Clinic Variant Classification & Assertion Criteria_Updated V.1. Collection method: research. Allele origin: unknown. Inheritance: Autosomal dominant inheritance.
Comment: Potent mutations in HNF4A are associated with poor insulin secretion in response to hyperglycemia. Associated with MODY1. Patients initially respond well to sulfonylureas but eventually become insulin dependent. However, more evidence is required to ascertain the role of this particular variant rs760628227 in MODY, yet.

Literature cited by the submitters: DOI 10.1159/000334532 (cited by Clinical Genomics, Uppaluri K&H Personalized Medicine Clinic); PubMed 18268044 (cited by Clinical Genomics, Uppaluri K&H Personalized Medicine Clinic); PubMed 17563455 (cited by Clinical Genomics, Uppaluri K&H Personalized Medicine Clinic); PubMed 32583173 (cited by Clinical Genomics, Uppaluri K&H Personalized Medicine Clinic); PubMed 35052457 (cited by Clinical Genomics, Uppaluri K&H Personalized Medicine Clinic); PubMed 35118593 (cited by Clinical Genomics, Uppaluri K&H Personalized Medicine Clinic).

NM_175914.5(HNF4A):c.*2153T>C

Gene: HNF4A (hepatocyte nuclear factor 4 alpha; plus strand). Cytogenetic location: 20q13.12.
Variant type: single nucleotide variant.
Coding change: c.*2153T>C on transcript NM_175914.5 (MANE Select); 2153 bases downstream of the stop codon, T replaced by C.
Molecular consequence: 3 prime UTR variant.
Genome position (GRCh38, 1-based): chr20:44,431,818, T>C. VCF-style: chr20-44431818-T-C. GRCh37 (hg19) VCF-style: chr20-43060458-T-C.
Other names: c.*2153T>C (NM_000457.6, NM_001030003.3, NM_001258355.2 and 3 more transcripts).
Identifiers: ClinVar variation 338465 (VCV000338465.6), dbSNP rs760628227, ClinGen allele CA10643909.